The following is an entry in ClinVar:

NM_000179.3(MSH6):c.3601C>G (p.Leu1201Val)

Gene: MSH6 (mutS homolog 6; plus strand). Cytogenetic location: 2p16.3.
Variant type: single nucleotide variant.
Coding change: c.3601C>G on transcript NM_000179.3 (MANE Select); coding-DNA position 3601, C replaced by G.
Protein change: p.Leu1201Val; replaces leucine 1201 with valine.
Molecular consequence: missense variant.
Genome position (GRCh38, 1-based): chr2:47,805,662, C>G. VCF-style: chr2-47805662-C-G. GRCh37 (hg19) VCF-style: chr2-48032801-C-G.
Other names: c.3211C>G, p.Leu1071Val (NM_001281492.2); c.2695C>G, p.Leu899Val (NM_001281493.2, NM_001281494.2); short protein forms L1201V, L1071V, L899V.
Identifiers: ClinVar variation 89423 (VCV000089423.40), dbSNP rs182024561, ClinGen allele CA013502.

ClinVar aggregate classification (germline): Conflicting classifications of pathogenicity. Review status: criteria provided, conflicting classifications (1 of 4 stars). 8 submissions from 8 submitters: Likely pathogenic (3); Uncertain significance (5). Last evaluated 2026-05-14.

Conditions:
Mismatch repair cancer syndrome 1 (MMRCS1). Also called: MISMATCH REPAIR DEFICIENCY; MMR DEFICIENCY; BRAIN TUMOR-POLYPOSIS SYNDROME 1; BTP1 SYNDROME; CHILDHOOD CANCER SYNDROME. Identifiers: Orphanet 252202, MedGen C5399763, MONDO:0010159, OMIM 276300. Disease mechanism: loss of function.
Lynch syndrome 5 (LYNCH5). Also called: Hereditary non-polyposis colorectal cancer, type 5; Colorectal cancer, hereditary nonpolyposis, type 5. Identifiers: Orphanet 144, MedGen C1833477, MONDO:0013710, OMIM 614350. Disease mechanism: loss of function.
Hereditary nonpolyposis colorectal neoplasms. Identifiers: MedGen C0009405, MeSH D003123.
Hereditary cancer-predisposing syndrome. Also called: Neoplastic Syndromes, Hereditary; Tumor predisposition; Hereditary Cancer Syndrome; Hereditary neoplastic syndrome. Identifiers: Orphanet 140162, MedGen C0027672, MeSH D009386, MONDO:0015356.
Endometrial carcinoma. Also called: Endometrial carcinoma, somatic. Identifiers: MedGen C0476089, MONDO:0002447, OMIM 608089, HP:0012114.

Allele frequency attached by ClinVar (database versions not stated): TOPMed below 0.00001; gnomAD 0.00001.
gnomAD v4.1: 4 of 1,612,912 alleles (0.00025%); highest among the groups gnomAD compares: South Asian, 0.0011%; no homozygotes.

Submissions (8):

Greenwood Genetic Center Diagnostic Laboratories, Greenwood Genetic Center
Classification: Uncertain significance. Last evaluated: 2026-05-14. Review status: criteria provided, single submitter. Criteria: ACMG Guidelines, 2015. Collection method: clinical testing. Allele origin: germline.
Comment: PM2, PP3, PP4

Labcorp Genetics (formerly Invitae), Labcorp
Classification: Likely pathogenic for Hereditary nonpolyposis colorectal neoplasms. Last evaluated: 2026-01-12. Review status: criteria provided, single submitter. Criteria: Invitae Variant Classification Sherloc (09022015). Collection method: clinical testing. Allele origin: germline.
Comment: This sequence change replaces leucine, which is neutral and non-polar, with valine, which is neutral and non-polar, at codon 1201 of the MSH6 protein (p.Leu1201Val). This variant is present in population databases (rs182024561, gnomAD 0.007%). This missense change has been observed in individuals with clinical features of Lynch syndrome, and has been frequently observed in cis with MSH6 c.3724C>A (p.Arg1242Ser) (PMID: 29875428, 31391288; internal data). ClinVar contains an entry for this variant (Variation ID: 89423). Invitae Evidence Modeling incorporating data from in vitro experimental studies (internal data) indicates that this missense variant is not expected to disrupt MSH6 function with a negative predictive value of 95%. In summary, the currently available evidence indicates that the variant is pathogenic, but additional data are needed to prove that conclusively. Therefore, this variant has been classified as Likely Pathogenic.

Ambry Genetics
Classification: Likely pathogenic for Hereditary cancer-predisposing syndrome. Last evaluated: 2025-02-21. Review status: criteria provided, single submitter. Criteria: Ambry Variant Classification Scheme 2023. Collection method: clinical testing. Allele origin: germline.
Comment: The p.L1201V variant (also known as c.3601C>G), located in coding exon 7 of the MSH6 gene, results from a C to G substitution at nucleotide position 3601. The leucine at codon 1201 is replaced by valine, an amino acid with highly similar properties. The p.R1242S variant (also known as c.3724C>A), located in coding exon 8 of the MSH6 gene, results from a C to A substitution at nucleotide position 3724. The arginine at codon 1242 is replaced by serine, an amino acid with dissimilar properties. The p.L1201V and p.R1242S alterations have been observed to be linked in cis and in complete linkage disequilibrium (Ambry internal data). This haplotype has been observed in several individuals diagnosed with Lynch-related tumors in their 40-50s, including individuals who met Amsterdam criteria and with MSI-H colorectal tumors and/or loss of MSH6 on immunohistochemistry (O'Leary et al. Am. J. Digest. Dis. 2014;1(1):62-66; Ambry internal data). This haplotype was also detected in a pediatric patient with high-grade glioma (Crotty EE et al. J Neurooncol, 2020 Jul;148:607-617). Based on internal structural analysis, this haplotype is more destabilizing than known likely pathogenic variants in the same domain. This amino acid position is highly conserved in available vertebrate species. The in silico predictions for p.L1201V and p.R1242S alterations are inconclusive and deleterious, respectively. Based on the majority of available evidence to date, this haplotype is likely to be pathogenic.

Color Diagnostics, LLC DBA Color Health
Classification: Uncertain significance for Hereditary cancer-predisposing syndrome. Last evaluated: 2024-07-12. Review status: criteria provided, single submitter. Criteria: ACMG Guidelines, 2015. Collection method: clinical testing. Allele origin: germline.
Comment: This missense variant replaces leucine with valine at codon 1201 in the ATPase domain of the MSH6 protein. Computational prediction suggests that this variant may have deleterious impact on protein structure and function. To our knowledge, functional studies have not been reported for this variant. This variant has been reported to be in complete linkage disequilibrium with c.3724C>A (p.Arg1242Ser) (ClinVar SCV000276654.6). This haplotype has been observed in multiple individuals affected with Lynch syndrome-associated cancers (PMID: 29875428, 31391288, 34994648; O'Leary 2014; ClinVar variation ID: 89423), and in an individual affected with constitutional mismatch repair deficiency who carried a pathogenic MSH6 c.3434-2A>G variant on the different chromosome (Alshuaibi et al., ACMG 2016 poster). The p.Leu1201Val variant has been identified in 1/31336 chromosomes in the general population by the Genome Aggregation Database (gnomAD). It remains a possibility that p.Arg1242Ser and p.Leu1201Val variants in cis may act in synergy to adversely affect MSH6 protein function. However, different missense variants that alter arginine at codon 1242 (p.Arg1242His and p.Arg1242del) are known to be disease-causing, indicating the functional and clinical importance of arginine at this position (ClinVar variation ID: 140866 and 89450). Based on the available evidence, we conclude that the phenotype observed in individuals carrying the double mutant allele may be attributable to the p.Arg1242Ser variant, while the role of p.Leu1201Val variant in disease remains unclear. Therefore, this p.Leu1201Val variant is classified as a Variant of Uncertain Significance.

Quest Diagnostics Nichols Institute San Juan Capistrano
Classification: Uncertain significance. Last evaluated: 2023-08-01. Review status: criteria provided, single submitter. Criteria: Quest Diagnostics criteria. Collection method: clinical testing. Allele origin: unknown.

Baylor Genetics
Classification: Likely pathogenic for Endometrial carcinoma. Last evaluated: 2023-02-21. Review status: criteria provided, single submitter. Criteria: ACMG Guidelines, 2015. Collection method: clinical testing. Allele origin: unknown.

Laboratory for Molecular Medicine, Mass General Brigham Personalized Medicine
Classification: Uncertain significance. Last evaluated: 2019-05-07. Review status: criteria provided, single submitter. Criteria: LMM Criteria. Collection method: clinical testing. Allele origin: germline. Observed: 1 variant allele.
Comment: The p.Leu1201Val variant in MSH6 has been reported in 2 individuals with colorectal cancer (O'Leary 2014, Turner 2018). It has also been identified in 1/15396 European chromosomes by gnomAD. This variant was classified as Uncertain significance on September 5, 2013 by the ClinGen-approved InSiGHT expert panel (Variation ID 89423). Computational prediction tools and conservation analysis suggest that this variant may impact the protein, though this information is not predictive enough to determine pathogenicity. In summary, the clinical significance of this variant is uncertain.

GeneDx
Classification: Uncertain significance. Last evaluated: 2019-04-22. Review status: criteria provided, single submitter. Criteria: GeneDx Variant Classification Process June 2021. Collection method: clinical testing. Allele origin: germline. Affected: yes.
Comment: Not observed at a significant frequency in large population cohorts (Lek et al., 2016); This variant is associated with the following publications: (PMID: none, 29875428)

Literature cited by the submitters: PubMed 29875428 (cited by 4 submitters); PubMed 31391288 (cited by 3 submitters); PubMed 32556862 (cited by Ambry Genetics and Quest Diagnostics Nichols Institute San Juan Capistrano); PubMed 34994648 (cited by Color Diagnostics, LLC DBA Color Health).